The following is an entry in ClinVar:

ClinVar aggregate classification (germline): Likely benign. Review status: criteria provided, single submitter (1 of 4 stars). 2 submissions from 2 submitters: Likely benign (1). 1 of the submissions does not count toward it. Last evaluated 2019-12-31.

Conditions:
SLC24A4-related disorder. Also called: SLC24A4-related condition.

Allele frequency attached by ClinVar (database versions not stated): ExAC 0.00025; TOPMed 0.00035; gnomAD 0.00051; ESP Exome Variant Server 0.00069.
gnomAD v4.1: 689 of 1,614,082 alleles (0.043%); highest among the groups gnomAD compares: Non-Finnish European, 0.055%; 1 homozygote.

Submissions (2):

Labcorp Genetics (formerly Invitae), Labcorp
Classification: Likely benign. Last evaluated: 2019-12-31. Review status: criteria provided, single submitter. Criteria: Invitae Variant Classification Sherloc (09022015). Collection method: clinical testing. Allele origin: germline.

PreventionGenetics, part of Exact Sciences
Classification: Likely benign for SLC24A4-related condition. Last evaluated: 2019-04-12. Review status: no assertion criteria provided. Collection method: clinical testing. Allele origin: germline. Not counted in ClinVar's aggregate classification.
Comment: This variant is classified as likely benign based on ACMG/AMP sequence variant interpretation guidelines (Richards et al. 2015 PMID: 25741868, with internal and published modifications).

NM_153646.4(SLC24A4):c.1113C>T (p.His371=)

Gene: SLC24A4 (solute carrier family 24 member 4; plus strand). Cytogenetic location: 14q32.12.
Variant type: single nucleotide variant.
Coding change: c.1113C>T on transcript NM_153646.4 (MANE Select); coding-DNA position 1113, C replaced by T.
Protein change: p.His371=; no amino-acid change (histidine 371 retained).
Molecular consequence: synonymous variant.
Genome position (GRCh38, 1-based): chr14:92,456,466, C>T. VCF-style: chr14-92456466-C-T. GRCh37 (hg19) VCF-style: chr14-92922810-C-T.
Other names: c.1113C>T, p.His371= (NM_001378620.1); c.1056C>T, p.His352= (NM_153647.4); c.921C>T, p.His307= (NM_153648.4).
Identifiers: ClinVar variation 743705 (VCV000743705.6), dbSNP rs145503578, ClinGen allele CA7316024.